The following is an entry in ClinVar:

ClinVar aggregate classification (germline): Pathogenic. Review status: criteria provided, single submitter (1 of 4 stars). 2 submissions from 2 submitters: Pathogenic (1). 1 of the submissions does not count toward it. Last evaluated 2024-01-08.

Conditions:
Leber congenital amaurosis 8 (LCA8). Identifiers: Orphanet 65, MedGen C3151202, MONDO:0013453, OMIM 613835.
Retinitis pigmentosa 12 (RP12). Also called: RP WITH OR WITHOUT PPRPE; RP WITH OR WITHOUT PRESERVED PARAARTERIOLE RETINAL PIGMENT EPITHELIUM; RETINITIS PIGMENTOSA WITH OR WITHOUT PARAARTERIOLAR PRESERVATION OF RETINAL PIGMENT EPITHELIUM. Identifiers: Orphanet 791, MedGen C1838647, MONDO:0010818, OMIM 600105.

Submissions (2):

Labcorp Genetics (formerly Invitae), Labcorp
Classification: Pathogenic for Leber congenital amaurosis 8; Retinitis pigmentosa 12. Last evaluated: 2024-01-08. Review status: criteria provided, single submitter. Criteria: Invitae Variant Classification Sherloc (09022015). Collection method: clinical testing. Allele origin: germline.
Comment: This sequence change creates a premature translational stop signal (p.Ala267Glnfs*18) in the CRB1 gene. It is expected to result in an absent or disrupted protein product. Loss-of-function variants in CRB1 are known to be pathogenic (PMID: 10508521, 22065545, 23379534, 25412400, 26957898, 28041643, 29391521). This variant is not present in population databases (gnomAD no frequency). This variant has not been reported in the literature in individuals affected with CRB1-related conditions. For these reasons, this variant has been classified as Pathogenic.

Laboratory of Genetics in Ophthalmology, Institut Imagine
Classification: Pathogenic for Leber congenital amaurosis 8. Review status: no assertion criteria provided. Collection method: research. Allele origin: inherited. Affected: yes. Not counted in ClinVar's aggregate classification.

Literature cited by the submitters: PubMed 10508521 (cited by Labcorp Genetics (formerly Invitae), Labcorp); PubMed 22065545 (cited by Labcorp Genetics (formerly Invitae), Labcorp); PubMed 23379534 (cited by Labcorp Genetics (formerly Invitae), Labcorp); PubMed 25412400 (cited by Labcorp Genetics (formerly Invitae), Labcorp); PubMed 26957898 (cited by Labcorp Genetics (formerly Invitae), Labcorp); PubMed 28041643 (cited by Labcorp Genetics (formerly Invitae), Labcorp); PubMed 29391521 (cited by Labcorp Genetics (formerly Invitae), Labcorp).

NM_201253.3(CRB1):c.798_799del (p.Ala267fs)

Gene: CRB1 (crumbs cell polarity complex component 1; plus strand). Cytogenetic location: 1q31.3.
Variant type: Microsatellite.
Coding change: c.798_799del on transcript NM_201253.3 (MANE Select); coding-DNA positions 798 to 799, 2 bases deleted (TG; older notation c.798_799delTG).
Protein change: p.Ala267fs; shifts the reading frame from alanine 267.
Molecular consequence: frameshift variant. On other transcripts: non-coding transcript variant (2), intron variant (1).
Genome position (GRCh38, 1-based): chr1:197,344,426-197,344,427, TG deleted; deleting any 2 consecutive bases within chr1:197,344,423-197,344,427 gives the same sequence; the c. name uses the placement nearest the transcript's 3' end. VCF-style (leftmost placement, unchanged base first): chr1-197344422-AGT-A. GRCh37 (hg19) VCF-style: chr1-197313552-AGT-A.
Other names: c.591_592del, p.Ala198fs (NM_001257965.2); c.798_799del, p.Ala267fs (NM_001257966.2); c.653-12405_653-12404del (NM_001193640.2); short protein forms A198fs, A267fs.
Identifiers: ClinVar variation 1444796 (VCV001444796.6), dbSNP rs2125328494, ClinGen allele CA2580611528.
Genomic context (GRCh38, chr1:197,344,422, plus strand): 5'-CCTATTTCTGCGACTGTGCCCCTGGATTCCTGGGGGATCACTGTGAACTCAACACTGATG[AGT>A]GTGCCAGTCAACCTTGTCTCCATGGAGGGCTGTGTGTGGATGGAGAAAACAGGTACATTT-3'